The following is an entry in ClinVar:

NM_001080508.3(TBX18):c.1034_1035del (p.Tyr345fs)

Gene: TBX18 (T-box transcription factor 18; minus strand). Cytogenetic location: 6q14.3.
Variant type: Microsatellite.
Coding change: c.1034_1035del on transcript NM_001080508.3 (MANE Select); coding-DNA positions 1034 to 1035, 2 bases deleted (AT; older notation c.1034_1035delAT).
Protein change: p.Tyr345fs; shifts the reading frame from tyrosine 345.
Molecular consequence: frameshift variant.
Genome position (GRCh38, 1-based): chr6:84,738,561-84,738,562, AT deleted on the plus strand (AT on the coding strand, the reverse complement: TBX18 is on the minus strand); deleting any 2 consecutive bases within chr6:84,738,561-84,738,564 gives the same sequence; the c. name uses the placement nearest the transcript's 3' end. VCF-style (leftmost placement, unchanged base first): chr6-84738560-CAT-C. GRCh37 (hg19) VCF-style: chr6-85448278-CAT-C.
Other names: short protein forms Y345fs.
Identifiers: ClinVar variation 5007101 (VCV005007101.2).

ClinVar aggregate classification (germline): Uncertain significance (1 of 4 stars; one submission).

Conditions:
Congenital anomalies of kidney and urinary tract 2. Identifiers: Orphanet 2190, MedGen C5574705, MONDO:0027676, OMIM 143400.

Submission:

Juno Genomics, Hangzhou Juno Genomics, Inc
Classification: Uncertain significance for Congenital anomalies of kidney and urinary tract 2. Review status: criteria provided, single submitter. Criteria: ACMG Guidelines, 2015. Collection method: clinical testing. Allele origin: germline.
Comment: Absent from controls (or at extremely low frequency if recessive) in Genome Aggregation Database.